The following is an entry in ClinVar:

NM_000135.4(FANCA):c.1511G>A (p.Arg504His)

Gene: FANCA (FA complementation group A; minus strand). Cytogenetic location: 16q24.3.
Variant type: single nucleotide variant.
Coding change: c.1511G>A on transcript NM_000135.4 (MANE Select); coding-DNA position 1511, G replaced by A.
Protein change: p.Arg504His; replaces arginine 504 with histidine.
Molecular consequence: missense variant.
Genome position (GRCh38, 1-based): chr16:89,783,062, C>T on the plus strand (G>A on the coding strand, the complement: FANCA is on the minus strand). VCF-style: chr16-89783062-C-T. GRCh37 (hg19) VCF-style: chr16-89849470-C-T.
Other names: c.1511G>A (NM_000135.3); c.1511G>A, p.Arg504His (NM_001286167.3); short protein forms R504H.
Identifiers: ClinVar variation 1319532 (VCV001319532.6), dbSNP rs778045457, ClinGen allele CA8252287.
Genomic context (GRCh38, chr16:89,783,062, plus strand): 5'-CTTGCCTTGAGGTCGGCCAGCCGTGTCTTGGCCAATGAGATGTAGTCTGTGAGGAGGGAG[C>T]GGTACTTGCCGGGAACCAGGGGTGGGTGGAGAATGTGCACCTGAGGATAGATAGCAGAGC-3'
Protein context (NP_000126.2, residues 494-514): LHPPLVPGKY[Arg504His]SLLTDYISLA

ClinVar aggregate classification (germline): Uncertain significance. Review status: criteria provided, multiple submitters, no conflicts (2 of 4 stars). 3 submissions from 3 submitters: Uncertain significance (3). Last evaluated 2025-06-29.

Conditions:
Fanconi anemia (FA). Also called: Fanconi's anemia. Identifiers: Orphanet 84, MedGen C0015625, MeSH D005199, MONDO:0019391.

Allele frequency attached by ClinVar (database versions not stated): TOPMed 0.00002.

Submissions (3):

Labcorp Genetics (formerly Invitae), Labcorp
Classification: Uncertain significance for Fanconi anemia. Last evaluated: 2025-06-29. Review status: criteria provided, single submitter. Criteria: Invitae Variant Classification Sherloc (09022015). Collection method: clinical testing. Allele origin: germline.
Comment: This sequence change replaces arginine, which is basic and polar, with histidine, which is basic and polar, at codon 504 of the FANCA protein (p.Arg504His). This variant is present in population databases (rs778045457, gnomAD 0.003%). This variant has not been reported in the literature in individuals affected with FANCA-related conditions. ClinVar contains an entry for this variant (Variation ID: 1319532). Invitae Evidence Modeling of protein sequence and biophysical properties (such as structural, functional, and spatial information, amino acid conservation, physicochemical variation, residue mobility, and thermodynamic stability) indicates that this missense variant is not expected to disrupt FANCA protein function with a negative predictive value of 95%. In summary, the available evidence is currently insufficient to determine the role of this variant in disease. Therefore, it has been classified as a Variant of Uncertain Significance.

Quest Diagnostics Nichols Institute San Juan Capistrano
Classification: Uncertain significance. Last evaluated: 2025-01-28. Review status: criteria provided, single submitter. Criteria: Quest Diagnostics criteria. Collection method: clinical testing. Allele origin: unknown.
Comment: The FANCA c.1511G>A (p.Arg504His) variant has been reported in the published literature in individuals with breast cancer, ovarian cancer as well as reportedly healthy individuals (PMID: 32546565 (2021) and 35884425 (2022)). The frequency of this variant in the general population (Genome Aggregation Database) is uninformative in the assessment of its pathogenicity. Analysis of this variant using bioinformatics tools for the prediction of the effect of amino acid changes on protein structure and function yielded predictions that this variant is benign. Based on the available information, we are unable to determine the clinical significance of this variant.

Institute for Clinical Genetics, University Hospital TU Dresden, University Hospital TU Dresden
Classification: Uncertain significance. Last evaluated: 2021-11-03. Review status: criteria provided, single submitter. Criteria: ACMG Guidelines, 2015. Collection method: clinical testing. Allele origin: germline.

Literature cited by the submitters: PubMed 32235514 (cited by Quest Diagnostics Nichols Institute San Juan Capistrano); PubMed 32546565 (cited by Quest Diagnostics Nichols Institute San Juan Capistrano); PubMed 35884425 (cited by Quest Diagnostics Nichols Institute San Juan Capistrano).